The following is an entry in ClinVar:

NM_030665.4(RAI1):c.3655C>A (p.Leu1219Ile)

Gene: RAI1 (retinoic acid induced 1; plus strand). Cytogenetic location: 17p11.2.
Variant type: single nucleotide variant.
Coding change: c.3655C>A on transcript NM_030665.4 (MANE Select); coding-DNA position 3655, C replaced by A.
Protein change: p.Leu1219Ile; replaces leucine 1219 with isoleucine.
Molecular consequence: missense variant.
Genome position (GRCh38, 1-based): chr17:17,796,603, C>A. VCF-style: chr17-17796603-C-A. GRCh37 (hg19) VCF-style: chr17-17699917-C-A.
Other names: short protein forms L1219I.
Identifiers: ClinVar variation 2055937 (VCV002055937.4), dbSNP rs151290050, ClinGen allele CA398554664.

ClinVar aggregate classification (germline): Uncertain significance (1 of 4 stars; one submission).

gnomAD v4.1: 2 of 1,612,234 alleles (0.00012%); highest among the groups gnomAD compares: South Asian, 0.0022%; no homozygotes.

Submission:

Labcorp Genetics (formerly Invitae), Labcorp
Classification: Uncertain significance. Last evaluated: 2021-12-23. Review status: criteria provided, single submitter. Criteria: Invitae Variant Classification Sherloc (09022015). Collection method: clinical testing. Allele origin: germline.
Comment: Algorithms developed to predict the effect of missense changes on protein structure and function are either unavailable or do not agree on the potential impact of this missense change (SIFT: "Deleterious"; PolyPhen-2: "Benign"; Align-GVGD: "Class C0"). This sequence change replaces leucine, which is neutral and non-polar, with isoleucine, which is neutral and non-polar, at codon 1219 of the RAI1 protein (p.Leu1219Ile). This variant is present in population databases (no rsID available, gnomAD 0.007%). This variant has not been reported in the literature in individuals affected with RAI1-related conditions. In summary, the available evidence is currently insufficient to determine the role of this variant in disease. Therefore, it has been classified as a Variant of Uncertain Significance.